The following is an entry in ClinVar:

ClinVar aggregate classification (germline): Uncertain significance (1 of 4 stars; one submission).

Conditions:
Aortic valve disease 2 (AOVD2). Identifiers: MedGen C3542024, MONDO:0013902, OMIM 614823.

Allele frequency attached by ClinVar (database versions not stated): ESP Exome Variant Server 0.00008.

Submission:

Labcorp Genetics (formerly Invitae), Labcorp
Classification: Uncertain significance for Aortic valve disease 2. Last evaluated: 2023-02-27. Review status: criteria provided, single submitter. Criteria: Invitae Variant Classification Sherloc (09022015). Collection method: clinical testing. Allele origin: germline.
Comment: In summary, the available evidence is currently insufficient to determine the role of this variant in disease. Therefore, it has been classified as a Variant of Uncertain Significance. Advanced modeling of protein sequence and biophysical properties (such as structural, functional, and spatial information, amino acid conservation, physicochemical variation, residue mobility, and thermodynamic stability) performed at Invitae indicates that this missense variant is not expected to disrupt SMAD6 protein function. This variant has not been reported in the literature in individuals affected with SMAD6-related conditions. This variant is not present in population databases (gnomAD no frequency). This sequence change replaces arginine, which is basic and polar, with histidine, which is basic and polar, at codon 376 of the SMAD6 protein (p.Arg376His).

NM_005585.5(SMAD6):c.1127G>A (p.Arg376His)

Gene: SMAD6 (SMAD family member 6; plus strand). Cytogenetic location: 15q22.31.
Variant type: single nucleotide variant.
Coding change: c.1127G>A on transcript NM_005585.5 (MANE Select); coding-DNA position 1127, G replaced by A.
Protein change: p.Arg376His; replaces arginine 376 with histidine.
Molecular consequence: missense variant. On other transcripts: non-coding transcript variant (1).
Genome position (GRCh38, 1-based): chr15:66,781,171, G>A. VCF-style: chr15-66781171-G-A. GRCh37 (hg19) VCF-style: chr15-67073509-G-A.
Other names: short protein forms R376H.
Identifiers: ClinVar variation 3023849 (VCV003023849.3), dbSNP rs147820064, ClinGen allele CA7626732.